The following is an entry in ClinVar:

NM_014254.3(RXYLT1):c.119dup (p.Arg41fs)

Gene: RXYLT1 (ribitol xylosyltransferase 1; plus strand). Cytogenetic location: 12q14.2.
Variant type: Duplication.
Coding change: c.119dup on transcript NM_014254.3 (MANE Select); coding-DNA position 119, one base duplicated (C; older notation c.119dupC).
Protein change: p.Arg41fs; shifts the reading frame from arginine 41.
Molecular consequence: frameshift variant. On other transcripts: 5 prime UTR variant (1).
Genome position (GRCh38, 1-based): chr12:63,780,079, C duplicated; the last of 4 consecutive C bases (chr12:63,780,076-63,780,079); duplicating any one gives the same sequence. VCF-style (leftmost placement, unchanged base first): chr12-63780075-T-TC. GRCh37 (hg19) VCF-style: chr12-64173855-T-TC.
Other names: c.-995dup (NM_001278237.2); short protein forms R41fs.
Identifiers: ClinVar variation 2912230 (VCV002912230.3), dbSNP rs781679424, ClinGen allele CA6665990.
Genomic context (GRCh38, chr12:63,780,075, plus strand): 5'-TTCTCCCTCTACGCTGCCTACCACGTCTTCTTCGGGCGCCGCCGCCAGGCGCCGGCCGGG[T>TC]CCCCGCGGGGCCTCAGGAAGGGGGCGGCCCCCGCGCGGGAGAGACGCGGCCGAGGTAGGA-3'

ClinVar aggregate classification (germline): Pathogenic (1 of 4 stars; one submission).

Submission:

Labcorp Genetics (formerly Invitae), Labcorp
Classification: Pathogenic. Last evaluated: 2023-12-26. Review status: criteria provided, single submitter. Criteria: Invitae Variant Classification Sherloc (09022015). Collection method: clinical testing. Allele origin: germline.
Comment: This sequence change creates a premature translational stop signal (p.Arg41Alafs*24) in the RXYLT1 gene. It is expected to result in an absent or disrupted protein product. Loss-of-function variants in RXYLT1 are known to be pathogenic (PMID: 23217329, 23519211, 31742715). This variant is present in population databases (rs781679424, gnomAD 0.02%). This variant has not been reported in the literature in individuals affected with RXYLT1-related conditions. For these reasons, this variant has been classified as Pathogenic.

Literature cited by the submitters: PubMed 23217329; PubMed 23519211; PubMed 31742715.